The following is an entry in ClinVar:

ClinVar aggregate classification (germline): Uncertain significance (1 of 4 stars; one submission).

Conditions:
Fibrous dysplasia of jaw (CRBM). Also called: Cherubism. Identifiers: Orphanet 184, MedGen C0008029, MONDO:0007315, OMIM 118400.

Submission:

Labcorp Genetics (formerly Invitae), Labcorp
Classification: Uncertain significance for Fibrous dysplasia of jaw. Last evaluated: 2022-10-23. Review status: criteria provided, single submitter. Criteria: Invitae Variant Classification Sherloc (09022015). Collection method: clinical testing. Allele origin: germline.
Comment: This sequence change replaces threonine, which is neutral and polar, with isoleucine, which is neutral and non-polar, at codon 65 of the SH3BP2 protein (p.Thr65Ile). This variant is not present in population databases (gnomAD no frequency). This variant has not been reported in the literature in individuals affected with SH3BP2-related conditions. Advanced modeling of protein sequence and biophysical properties (such as structural, functional, and spatial information, amino acid conservation, physicochemical variation, residue mobility, and thermodynamic stability) performed at Invitae indicates that this missense variant is not expected to disrupt SH3BP2 protein function. In summary, the available evidence is currently insufficient to determine the role of this variant in disease. Therefore, it has been classified as a Variant of Uncertain Significance.

NM_001122681.2(SH3BP2):c.194C>T (p.Thr65Ile)

Gene: SH3BP2 (SH3 domain binding protein 2; plus strand). Cytogenetic location: 4p16.3.
Variant type: single nucleotide variant.
Coding change: c.194C>T on transcript NM_001122681.2 (MANE Select); coding-DNA position 194, C replaced by T.
Protein change: p.Thr65Ile; replaces threonine 65 with isoleucine.
Molecular consequence: missense variant.
Genome position (GRCh38, 1-based): chr4:2,822,992, C>T. VCF-style: chr4-2822992-C-T. GRCh37 (hg19) VCF-style: chr4-2824719-C-T.
Other names: c.278C>T, p.Thr93Ile (NM_001145855.2); c.365C>T, p.Thr122Ile (NM_001145856.2); c.194C>T, p.Thr65Ile (NM_003023.4); short protein forms T65I, T122I, T93I.
Identifiers: ClinVar variation 1989590 (VCV001989590.4), dbSNP rs1724390111, ClinGen allele CA356053563.